The following is an entry in ClinVar:

ClinVar aggregate classification (germline): Conflicting classifications of pathogenicity. Review status: criteria provided, conflicting classifications (1 of 4 stars). 13 submissions from 13 submitters: Uncertain significance (2); Benign (3); Likely benign (5). 3 of the submissions do not count toward it. Last evaluated 2026-02-03.

Conditions:
BAP1-related disorder. Also called: BAP1-related condition.
Hereditary cancer-predisposing syndrome. Also called: Tumor predisposition; Hereditary neoplastic syndrome; Neoplastic Syndromes, Hereditary; Hereditary Cancer Syndrome. Identifiers: Orphanet 140162, MedGen C0027672, MeSH D009386, MONDO:0015356.
BAP1-related tumor predisposition syndrome (TPDS1). Also called: Tumor susceptibility linked to germline BAP1 mutations; COMMON Syndrome; TUMOR PREDISPOSITION SYNDROME 1; BAP1 tumor predisposition syndrome. Identifiers: Orphanet 289539, MedGen C3280492, MONDO:0013692, OMIM 614327.

Allele frequency attached by ClinVar (database versions not stated): gnomAD exomes 0.00002 and 0.00004; ExAC 0.00008; gnomAD 0.00010 and 0.00013; TOPMed 0.00015.
gnomAD v4.1: 111 of 1,613,896 alleles (0.0069%); highest among the groups gnomAD compares: East Asian, 0.053%; 4 homozygotes.

Submissions (13):

Labcorp Genetics (formerly Invitae), Labcorp
Classification: Benign for BAP1-related tumor predisposition syndrome. Last evaluated: 2026-02-03. Review status: criteria provided, single submitter. Criteria: Invitae Variant Classification Sherloc (09022015). Collection method: clinical testing. Allele origin: germline.

Center for Genomic Medicine, Rigshospitalet, Copenhagen University Hospital
Classification: Uncertain significance. Last evaluated: 2025-12-29. Review status: criteria provided, single submitter. Criteria: ACMG Guidelines, 2015. Collection method: clinical testing. Allele origin: germline.

Quest Diagnostics Nichols Institute San Juan Capistrano
Classification: Likely benign. Last evaluated: 2025-02-05. Review status: criteria provided, single submitter. Criteria: Quest Diagnostics criteria. Collection method: clinical testing. Allele origin: unknown.

Color Diagnostics, LLC DBA Color Health
Classification: Likely benign for Hereditary cancer-predisposing syndrome. Last evaluated: 2024-09-19. Review status: criteria provided, single submitter. Criteria: ACMG Guidelines, 2015. Collection method: clinical testing. Allele origin: germline.

ARUP Laboratories, Molecular Genetics and Genomics, ARUP Laboratories
Classification: Uncertain significance. Last evaluated: 2023-09-14. Review status: criteria provided, single submitter. Criteria: ARUP Molecular Germline Variant Investigation Process 2024. Collection method: clinical testing. Allele origin: germline.
Comment: The BAP1 c.1735G>A; p.Gly579Arg variant (rs370004702) is reported in the literature in an individual with endometrial carcinoma (Lu 2015, supplemental data 12), as well as an individual with Cowden syndrome/Bannayan-Riley-Ruvalcaba syndrome (Yehia 2018, supplemental table 9). This variant is reported in ClinVar (Variation ID: 133666). It is found in the general population with an overall allele frequency of 0.005% (14/282440 alleles) in the Genome Aggregation Database. The glycine at codon 579 is highly conserved, but computational analyses (SIFT, PolyPhen-2) predict that this variant is tolerated. Due to limited information, the clinical significance of this variant is uncertain at this time. REFERENCES Lu C et al. Patterns and functional implications of rare germline variants across 12 cancer types. Nat Commun. 2015 Dec 22;6:10086. Yehia L et al. Unexpected cancer-predisposition gene variants in Cowden syndrome and Bannayan-Riley-Ruvalcaba syndrome patients without underlying germline PTEN mutations. PLoS Genet. 2018 Apr 23;14(4):e1007352.

Myriad Genetics, Inc.
Classification: Likely benign for BAP1-related tumor predisposition syndrome. Last evaluated: 2023-02-16. Review status: criteria provided, single submitter. Criteria: Myriad Autosomal Dominant, Autosomal Recessive and X-Linked Classification Criteria (2023). Collection method: clinical testing. Allele origin: unknown.
Comment: This variant is considered likely benign. Homozygosity has been confirmed in one or more individuals. As homozygosity for pathogenic variants in this gene is generally assumed to result in embryonic lethality, this variant is unlikely to be pathogenic.

Sema4
Classification: Benign for Hereditary cancer-predisposing syndrome. Last evaluated: 2020-11-27. Review status: criteria provided, single submitter. Criteria: Sema4 Curation Guidelines. Collection method: curation. Allele origin: germline.

GeneDx
Classification: Likely benign. Last evaluated: 2020-09-03. Review status: criteria provided, single submitter. Criteria: GeneDx Variant Classification Process June 2021. Collection method: clinical testing. Allele origin: germline. Affected: yes.
Comment: In silico analysis supports that this missense variant does not alter protein structure/function; While protein-based in silico analysis supports that this variant does not alter protein structure/function, splice predictors suggest this variant may impact gene splicing. In the absence of RNA or functional studies, the actual effect of this sequence change is unknown.; This variant is associated with the following publications: (PMID: 27153395, 29684080, 25929848, 28380455, 26689913, 24728327)

Ambry Genetics
Classification: Likely benign for Hereditary cancer-predisposing syndrome. Last evaluated: 2018-05-08. Review status: criteria provided, single submitter. Criteria: Ambry Variant Classification Scheme 2023. Collection method: clinical testing. Allele origin: germline.

Illumina Laboratory Services, Illumina
Classification: Benign for BAP1-related tumor predisposition syndrome. Last evaluated: 2018-01-13. Review status: criteria provided, single submitter. Criteria: ICSL Variant Classification Criteria 13 December 2019. Collection method: clinical testing. Allele origin: germline.
Comment: This variant was observed in the ICSL laboratory as part of a predisposition screen in an ostensibly healthy population. It had not been previously curated by ICSL or reported in the Human Gene Mutation Database (HGMD: prior to June 1st, 2018), and was therefore a candidate for classification through an automated scoring system. Utilizing variant allele frequency, disease prevalence and penetrance estimates, and inheritance mode, an automated score was calculated to assess if this variant is too frequent to cause the disease. Based on the score and internal cut-off values, a variant classified as benign is not then subjected to further curation. The score for this variant resulted in a classification of benign for this disease.

PreventionGenetics, part of Exact Sciences
Classification: Likely benign for BAP1-related condition. Last evaluated: 2023-05-30. Review status: no assertion criteria provided. Collection method: clinical testing. Allele origin: germline. Not counted in ClinVar's aggregate classification.
Comment: This variant is classified as likely benign based on ACMG/AMP sequence variant interpretation guidelines (Richards et al. 2015 PMID: 25741868, with internal and published modifications).

ITMI
No classification provided. Condition: AllHighlyPenetrant. Last evaluated: 2013-09-19. Review status: no classification provided. Collection method: reference population. Allele origin: germline. Not counted in ClinVar's aggregate classification.
Comment: Please see associated publication for description of ethnicities

Department of Pathology and Laboratory Medicine, Sinai Health System
Classification: Uncertain significance. Review status: no assertion criteria provided. Collection method: clinical testing. Allele origin: unknown. Affected: yes. Study: The Canadian Open Genetics Repository (COGR). Not counted in ClinVar's aggregate classification.
Comment: The BAP1 p.G579R variant was identified in the literature in a squamous cell lung cancer tumor, mucosal melanoma tumor tissue and a patient with uterine corpus endometrial carcinoma (Paik_2015_PMID:25929848; Cosgarea_2017_PMID:28380455; Lu_2015_PMID:26689913). The variant was identified in dbSNP (ID: rs370004702) and ClinVar (classified as uncertain significance by GeneDx, Illumina and Invitae, and as likely benign by Color and Ambry Genetics) but was not identified in Cosmic or LOVD 3.0. The variant was identified in control databases in 14 of 282440 chromosomes at a frequency of 0.00004957 (Genome Aggregation Database March 6, 2019, v2.1.1). The variant was observed in the following populations: East Asian in 9 of 19952 chromosomes (freq: 0.000451), Other in 1 of 7220 chromosomes (freq: 0.000139), African in 2 of 24956 chromosomes (freq: 0.00008), Latino in 1 of 35428 chromosomes (freq: 0.000028) and European (non-Finnish) in 1 of 129076 chromosomes (freq: 0.000008), but was not observed in the Ashkenazi Jewish, European (Finnish), or South Asian populations. The p.Gly579 residue is conserved in mammals and computational analyses (PolyPhen-2, SIFT, AlignGVGD, BLOSUM, MutationTaster) provide inconsistent predictions regarding the impact to the protein; this information is not very predictive of pathogenicity. The variant occurs outside of the splicing consensus sequence and three of four in silico or computational prediction software programs (SpliceSiteFinder, MaxEntScan, NNSPLICE, GeneSplicer) predict a greater than 10% difference in splicing. However, this information is not predictive enough to assume pathogenicity. In summary, based on the above information the clinical significance of this variant cannot be determined with certainty at this time. This variant is classified as a variant of uncertain significance.

Literature cited by the submitters: PubMed 33240524 (cited by Quest Diagnostics Nichols Institute San Juan Capistrano); PubMed 29684080 (cited by Quest Diagnostics Nichols Institute San Juan Capistrano); PubMed 28380455 (cited by Quest Diagnostics Nichols Institute San Juan Capistrano and Ambry Genetics); PubMed 27153395 (cited by Quest Diagnostics Nichols Institute San Juan Capistrano); PubMed 26689913 (cited by Quest Diagnostics Nichols Institute San Juan Capistrano and Ambry Genetics); PubMed 24728327 (cited by 3 submitters); PubMed 25929848 (cited by Ambry Genetics).

NM_004656.4(BAP1):c.1735G>A (p.Gly579Arg)

Gene: BAP1 (BRCA1 associated deubiquitinase 1; minus strand). Cytogenetic location: 3p21.1.
Variant type: single nucleotide variant.
Coding change: c.1735G>A on transcript NM_004656.4 (MANE Select); coding-DNA position 1735, G replaced by A.
Protein change: p.Gly579Arg; replaces glycine 579 with arginine.
Molecular consequence: missense variant.
Genome position (GRCh38, 1-based): chr3:52,403,293, C>T on the plus strand (G>A on the coding strand, the complement: BAP1 is on the minus strand). VCF-style: chr3-52403293-C-T. GRCh37 (hg19) VCF-style: chr3-52437309-C-T.
Other names: c.1735G>A (LRG_529t1); short protein forms G579R.
Identifiers: ClinVar variation 133666 (VCV000133666.44), dbSNP rs370004702, ClinGen allele CA157259.